The following is an entry in ClinVar:

NM_001350162.2(TEX15):c.3992C>G (p.Thr1331Ser)

Gene: TEX15 (testis expressed 15, meiosis and synapsis associated; minus strand). Cytogenetic location: 8p12.
Variant type: single nucleotide variant.
Coding change: c.3992C>G on transcript NM_001350162.2 (MANE Select); coding-DNA position 3992, C replaced by G.
Protein change: p.Thr1331Ser; replaces threonine 1331 with serine.
Molecular consequence: missense variant.
Genome position (GRCh38, 1-based): chr8:30,846,175, G>C on the plus strand (C>G on the coding strand, the complement: TEX15 is on the minus strand). VCF-style: chr8-30846175-G-C. GRCh37 (hg19) VCF-style: chr8-30703691-G-C.
Other names: short protein forms T1331S.
Identifiers: ClinVar variation 4083660 (VCV004083660.8).
Genomic context (GRCh38, chr8:30,846,175, plus strand): 5'-GAAAATGTTTTAATTCGTCCTTGGGATAATGAAGAGAAACACTCAGATGAGTCTTGACTG[G>C]TTAGCCTCCTCTTTCTCCCATAAATTTTATGTCGTCTTAAATCTTTATGTGGTATGTTCT-3'
Protein context (NP_001337091.1, residues 1321-1341): HKIYGRKRRL[Thr1331Ser]SQDSSECFSS

ClinVar aggregate classification (germline): Likely benign (1 of 4 stars; one submission).

gnomAD v4.1: 1,443 of 1,613,180 alleles (0.089%); highest among the groups gnomAD compares: Middle Eastern, 2.6%; 13 homozygotes.

Submission:

CeGaT Center for Human Genetics Tuebingen
Classification: Likely benign. Last evaluated: 2026-05-01. Review status: criteria provided, single submitter. Criteria: CeGaT Center For Human Genetics Tuebingen Variant Classification Criteria Version 2. Collection method: clinical testing. Allele origin: germline. Affected: yes. Observed: 2 variant alleles.
Comment: TEX15: BP4, BS2